The following is an entry in ClinVar:

ClinVar aggregate classification (germline): Uncertain significance (1 of 4 stars; one submission).

Conditions:
Parkinson disease, late-onset (PD). Also called: PARKINSON DISEASE, LATE-ONSET, SUSCEPTIBILITY TO; Hereditary late onset Parkinson disease; Susceptibility to Parkinson's Disease. Identifiers: Orphanet 411602, MedGen C3160718, MONDO:0008199, OMIM 168600.

Submission:

3billion
Classification: Uncertain significance for Parkinson disease, late-onset. Last evaluated: 2025-10-07. Review status: criteria provided, single submitter. Criteria: ACMG Guidelines, 2015. Collection method: clinical testing. Allele origin: germline. Affected: yes.
Comment: The variant is not observed in the gnomAD v4.1.0 dataset. Predicted Consequence/Location: Missense variant In silico tool predictions suggest damaging effect of the variant on gene or gene product [REVEL: 0.72 (>=0.6, sensitivity 0.68 and specificity 0.92)]. Therefore, this variant is classified as VUS according to the recommendation of ACMG/AMP guideline.

NM_000157.4(GBA1):c.1157T>G (p.Phe386Cys)

Genes: GBA1 (glucosylceramidase beta 1; minus strand), LOC106627981 (GBA recombination region; plus strand). Cytogenetic location: 1q22.
Variant type: single nucleotide variant.
Coding change: c.1157T>G on transcript NM_000157.4 (MANE Select); coding-DNA position 1157, T replaced by G.
Protein change: p.Phe386Cys; replaces phenylalanine 386 with cysteine.
Molecular consequence: missense variant.
Genome position (GRCh38, 1-based): chr1:155,236,312, A>C on the plus strand (T>G on the coding strand, the complement: GBA1 is on the minus strand). VCF-style: chr1-155236312-A-C. GRCh37 (hg19) VCF-style: chr1-155206103-A-C.
Other names: c.1157T>G, p.Phe386Cys (NM_001005741.3, NM_001005742.3); c.896T>G, p.Phe299Cys (NM_001171811.2); c.1010T>G, p.Phe337Cys (NM_001171812.2); short protein forms F299C, F337C, F386C.
Identifiers: ClinVar variation 4854212 (VCV004854212.1).